The following is an entry in ClinVar:

ClinVar aggregate classification (germline): Pathogenic (1 of 4 stars; one submission).

Conditions:
Kabuki syndrome. Also called: Kabuki make-up syndrome; NIIKAWA-KUROKI SYNDROME. Identifiers: Orphanet 2322, MedGen C0796004, MONDO:0016512.

Submission:

Labcorp Genetics (formerly Invitae), Labcorp
Classification: Pathogenic for Kabuki syndrome. Last evaluated: 2018-11-13. Review status: criteria provided, single submitter. Criteria: Invitae Variant Classification Sherloc (09022015). Collection method: clinical testing. Allele origin: germline.
Comment: For these reasons, this variant has been classified as Pathogenic. Loss-of-function variants in KMT2D are known to be pathogenic (PMID: 22126750). This variant has not been reported in the literature in individuals with KMT2D-related disease. This variant is not present in population databases (ExAC no frequency). This sequence change creates a premature translational stop signal (p.Gln3570Serfs*89) in the KMT2D gene. It is expected to result in an absent or disrupted protein product.

Literature cited by the submitters: PubMed 22126750.

NM_003482.4(KMT2D):c.10706_10707dup (p.Gln3570fs)

Gene: KMT2D (lysine methyltransferase 2D; minus strand). Cytogenetic location: 12q13.12.
Variant type: Microsatellite.
Coding change: c.10706_10707dup on transcript NM_003482.4 (MANE Select); coding-DNA positions 10706 to 10707, 2 bases duplicated (AG; older notation c.10706_10707dupAG).
Protein change: p.Gln3570fs; shifts the reading frame from glutamine 3570.
Molecular consequence: frameshift variant.
Genome position (GRCh38, 1-based): chr12:49,034,100-49,034,101, CT duplicated on the plus strand (AG on the coding strand, the reverse complement: KMT2D is on the minus strand); duplicating any 2 consecutive bases within chr12:49,034,100-49,034,103 gives the same sequence; the c. name uses the placement nearest the transcript's 3' end. VCF-style (leftmost placement, unchanged base first): chr12-49034099-G-GCT. GRCh37 (hg19) VCF-style: chr12-49427882-G-GCT.
Other names: c.10706_10707dupAG (NM_003482.3); short protein forms Q3570fs.
Identifiers: ClinVar variation 650671 (VCV000650671.6), dbSNP rs1592123024, ClinGen allele CA915948308.